The following is an entry in ClinVar:

NM_018180.3(DHX32):c.982A>T (p.Arg328Ter)

Gene: DHX32 (DEAH-box helicase 32 (putative); minus strand). Cytogenetic location: 10q26.2.
Variant type: single nucleotide variant.
Coding change: c.982A>T on transcript NM_018180.3 (MANE Select); coding-DNA position 982, A replaced by T.
Protein change: p.Arg328Ter; replaces arginine 328 with a stop codon.
Molecular consequence: nonsense.
Genome position (GRCh38, 1-based): chr10:125,854,071, T>A on the plus strand (A>T on the coding strand, the complement: DHX32 is on the minus strand). VCF-style: chr10-125854071-T-A. GRCh37 (hg19) VCF-style: chr10-127542640-T-A.
Other names: short protein forms R328*.
Identifiers: ClinVar variation 1948984 (VCV001948984.5), dbSNP rs1283863822, ClinGen allele CA378676936.

ClinVar aggregate classification (germline): Uncertain significance (1 of 4 stars; one submission).

Allele frequency attached by ClinVar (database versions not stated): gnomAD exomes 0.00001; TOPMed 0.00001; gnomAD 0.00005.
gnomAD v4.1: 12 of 1,614,000 alleles (0.00074%); highest among the groups gnomAD compares: Admixed American, 0.018%; no homozygotes.

Submission:

Labcorp Genetics (formerly Invitae), Labcorp
Classification: Uncertain significance. Last evaluated: 2022-07-04. Review status: criteria provided, single submitter. Criteria: Invitae Variant Classification Sherloc (09022015). Collection method: clinical testing. Allele origin: germline.
Comment: In summary, the available evidence is currently insufficient to determine the role of this variant in disease. Therefore, it has been classified as a Variant of Uncertain Significance. This variant has not been reported in the literature in individuals affected with DHX32-related conditions. This variant is present in population databases (no rsID available, gnomAD 0.006%). This sequence change creates a premature translational stop signal (p.Arg328*) in the DHX32 gene. It is expected to result in an absent or disrupted protein product. However, the current clinical and genetic evidence is not sufficient to establish whether loss-of-function variants in DHX32 cause disease.